The following is an entry in ClinVar:

NM_145239.3(PRRT2):c.439G>C (p.Asp147His)

Genes: MVP-DT (MVP divergent transcript; minus strand), PRRT2 (proline rich transmembrane protein 2; plus strand). Cytogenetic location: 16p11.2.
Variant type: single nucleotide variant.
Coding change: c.439G>C on transcript NM_145239.3 (MANE Select); coding-DNA position 439, G replaced by C.
Protein change: p.Asp147His; replaces aspartic acid 147 with histidine.
Molecular consequence: missense variant.
Genome position (GRCh38, 1-based): chr16:29,813,493, G>C. VCF-style: chr16-29813493-G-C. GRCh37 (hg19) VCF-style: chr16-29824814-G-C.
Other names: p.D147H:GAT>CAT; c.439G>C, p.Asp147His (NM_001256442.2, NM_001256443.2); short protein forms D147H.
Identifiers: ClinVar variation 138813 (VCV000138813.33), dbSNP rs79568162, ClinGen allele CA302824.

ClinVar aggregate classification (germline): Benign/Likely benign. Review status: criteria provided, multiple submitters, no conflicts (2 of 4 stars). 11 submissions from 11 submitters: Benign (6); Likely benign (3). 2 of the submissions do not count toward it. Last evaluated 2026-06-01.

Conditions:
Episodic kinesigenic dyskinesia (EKD). Also called: Paroxysmal kinesigenic dyskinesia. Identifiers: Orphanet 98809, MedGen C1868682, MONDO:0044202.
Inborn genetic diseases. Identifiers: MedGen C0950123, MeSH D030342.
Seizures, benign familial infantile, 2 (BFIS2). Also called: CONVULSIONS, BENIGN FAMILIAL INFANTILE, 2. Identifiers: Orphanet 306, MedGen C1853995, MONDO:0011593, OMIM 605751.
Episodic kinesigenic dyskinesia 1 (EKD1). Also called: PRRT2-Related Paroxysmal Kinesigenic Dyskinesia (PKD); PxMD-PRRT2; PAROXYSMAL KINESIGENIC CHOREOATHETOSIS; Dystonia 10; DYSTONIA, FAMILIAL PAROXYSMAL. Identifiers: Orphanet 98809, MedGen C4552000, MONDO:0100352, OMIM 128200, MONDO:0007494.
Infantile convulsions and choreoathetosis (ICCA). Also called: PRRT2-Related Paroxysmal Kinesigenic Dyskinesia with Infantile Convulsions (PKD/IC); PAROXYSMAL KINESIGENIC DYSKINESIA WITH INFANTILE CONVULSIONS. Identifiers: Orphanet 31709, MedGen C1865926, MONDO:0011178, OMIM 602066.

Allele frequency attached by ClinVar (database versions not stated): gnomAD exomes 0.00034 and 0.00099; gnomAD 0.00044 and 0.00052; TOPMed 0.00077; ExAC 0.00091; 1000 Genomes Project 30x 0.00265; 1000 Genomes Project 0.00300.
gnomAD v4.1: 707 of 1,613,684 alleles (0.044%); highest among the groups gnomAD compares: East Asian, 1.2%; 9 homozygotes.

Submissions (11):

CeGaT Center for Human Genetics Tuebingen
Classification: Likely benign. Last evaluated: 2026-06-01. Review status: criteria provided, single submitter. Criteria: CeGaT Center For Human Genetics Tuebingen Variant Classification Criteria Version 2. Collection method: clinical testing. Allele origin: germline. Affected: yes. Observed: 3 variant alleles.
Comment: PRRT2: BP4, BS1

Labcorp Genetics (formerly Invitae), Labcorp
Classification: Benign for Episodic kinesigenic dyskinesia. Last evaluated: 2026-01-12. Review status: criteria provided, single submitter. Criteria: Invitae Variant Classification Sherloc (09022015). Collection method: clinical testing. Allele origin: germline.

Blueprint Genetics
Classification: Likely benign. Last evaluated: 2024-11-27. Review status: criteria provided, single submitter. Criteria: ACMG Guidelines, 2015. Collection method: clinical testing. Allele origin: germline.

Mayo Clinic Laboratories, Mayo Clinic
Classification: Benign. Last evaluated: 2024-11-06. Review status: criteria provided, single submitter. Criteria: ACMG Guidelines, 2015. Collection method: clinical testing. Allele origin: germline. Observed: 3 variant alleles.
Comment: BA1

Fulgent Genetics
Classification: Likely benign for Episodic kinesigenic dyskinesia 1; Infantile convulsions and choreoathetosis; Seizures, benign familial infantile, 2. Last evaluated: 2022-05-11. Review status: criteria provided, single submitter. Criteria: ACMG Guidelines, 2015. Collection method: clinical testing. Allele origin: unknown.

Mendelics
Classification: Benign for Episodic kinesigenic dyskinesia 1. Last evaluated: 2019-05-28. Review status: criteria provided, single submitter. Criteria: Mendelics Assertion Criteria 2017. Collection method: clinical testing. Allele origin: unknown.

GeneDx
Classification: Benign. Last evaluated: 2018-11-21. Review status: criteria provided, single submitter. Criteria: GeneDx Variant Classification Process June 2021. Collection method: clinical testing. Allele origin: germline. Affected: yes.
Comment: This variant is associated with the following publications: (PMID: 28525812, 23529024, 23496026, 26561923, 23532549, 25522171, 22101681, 24594579, 31124310)

Ambry Genetics
Classification: Benign for Inborn genetic diseases. Last evaluated: 2017-08-30. Review status: criteria provided, single submitter. Criteria: Ambry Variant Classification Scheme 2023. Collection method: clinical testing. Allele origin: germline.

Eurofins Ntd Llc (ga)
Classification: Benign. Last evaluated: 2015-05-14. Review status: criteria provided, single submitter. Criteria: EGL Classification Definitions 2015. Collection method: clinical testing. Allele origin: germline. Observed: 1 variant allele, 1 heterozygote.

Genome Diagnostics Laboratory, University Medical Center Utrecht
Classification: Likely benign. Review status: no assertion criteria provided. Collection method: clinical testing. Allele origin: germline. Affected: yes. Study: VKGL Data-share Consensus. Not counted in ClinVar's aggregate classification.

Laboratory of Diagnostic Genome Analysis, Leiden University Medical Center (LUMC)
Classification: Likely benign. Review status: no assertion criteria provided. Collection method: clinical testing. Allele origin: germline. Affected: yes. Study: VKGL Data-share Consensus. Not counted in ClinVar's aggregate classification.

Literature cited by the submitters: PubMed 25522171 (cited by Mayo Clinic Laboratories, Mayo Clinic); PubMed 26561923 (cited by Mayo Clinic Laboratories, Mayo Clinic); PubMed 28525812 (cited by Mayo Clinic Laboratories, Mayo Clinic); PubMed 31124310 (cited by Mayo Clinic Laboratories, Mayo Clinic); PubMed 34041212 (cited by Mayo Clinic Laboratories, Mayo Clinic).